The following is an entry in ClinVar:

ClinVar aggregate classification (germline): Uncertain significance (1 of 4 stars; one submission).

Conditions:
Retinoblastoma (RB1). Also called: RETINOBLASTOMA, SOMATIC. Identifiers: Orphanet 790, MedGen C0035335, MeSH D012175, MONDO:0008380, OMIM 180200, HP:0009919. Disease mechanism: loss of function. Inheritance: Both sporadic and heritable forms are tested..

Submission:

Labcorp Genetics (formerly Invitae), Labcorp
Classification: Uncertain significance for Retinoblastoma. Last evaluated: 2025-01-20. Review status: criteria provided, single submitter. Criteria: Invitae Variant Classification Sherloc (09022015). Collection method: clinical testing. Allele origin: germline.
Comment: This sequence change replaces isoleucine, which is neutral and non-polar, with valine, which is neutral and non-polar, at codon 573 of the RB1 protein (p.Ile573Val). This variant is not present in population databases (gnomAD no frequency). This variant has not been reported in the literature in individuals affected with RB1-related conditions. Invitae Evidence Modeling of protein sequence and biophysical properties (such as structural, functional, and spatial information, amino acid conservation, physicochemical variation, residue mobility, and thermodynamic stability) indicates that this missense variant is not expected to disrupt RB1 protein function with a negative predictive value of 80%. In summary, the available evidence is currently insufficient to determine the role of this variant in disease. Therefore, it has been classified as a Variant of Uncertain Significance.

NM_000321.3(RB1):c.1717A>G (p.Ile573Val)

Gene: RB1 (RB transcriptional corepressor 1; plus strand). Cytogenetic location: 13q14.2.
Variant type: single nucleotide variant.
Coding change: c.1717A>G on transcript NM_000321.3 (MANE Select); coding-DNA position 1717, A replaced by G.
Protein change: p.Ile573Val; replaces isoleucine 573 with valine.
Molecular consequence: missense variant.
Genome position (GRCh38, 1-based): chr13:48,453,014, A>G. VCF-style: chr13-48453014-A-G. GRCh37 (hg19) VCF-style: chr13-49027150-A-G.
Other names: c.1717A>G, p.Ile573Val (NM_001407165.1); short protein forms I573V.
Identifiers: ClinVar variation 3706265 (VCV003706265.2).